The following is an entry in ClinVar:

ClinVar aggregate classification (germline): Pathogenic/Likely pathogenic. Review status: criteria provided, multiple submitters, no conflicts (2 of 4 stars). 4 submissions from 4 submitters: Pathogenic (2); Likely pathogenic (1). 1 of the submissions does not count toward it. Last evaluated 2025-04-10.

Conditions:
Autosomal recessive limb-girdle muscular dystrophy type 2E (LGMDR4). Also called: MUSCULAR DYSTROPHY, LIMB-GIRDLE, AUTOSOMAL RECESSIVE 4. Identifiers: Orphanet 119, MedGen C1858593, MONDO:0011423, OMIM 604286. Disease mechanism: Affects gamma-sarcoglycan and also disrupts the integrity of the entire sarcoglycan complex..

Allele frequency attached by ClinVar (database versions not stated): gnomAD exomes 0.00001; gnomAD 0.00002; TOPMed 0.00002.
gnomAD v4.1: 15 of 1,613,668 alleles (0.00093%); highest among the groups gnomAD compares: African/African-American, 0.0013%; no homozygotes.

Submissions (4):

Labcorp Genetics (formerly Invitae), Labcorp
Classification: Pathogenic for Autosomal recessive limb-girdle muscular dystrophy type 2E. Last evaluated: 2025-04-10. Review status: criteria provided, single submitter. Criteria: Invitae Variant Classification Sherloc (09022015). Collection method: clinical testing. Allele origin: germline.
Comment: This sequence change replaces tyrosine, which is neutral and polar, with cysteine, which is neutral and slightly polar, at codon 184 of the SGCB protein (p.Tyr184Cys). This variant is not present in population databases (gnomAD no frequency). This missense change has been observed in individual(s) with clinical features of limb-girdle muscular dystrophy (PMID: 10660328, 30764848; internal data). In at least one individual the data is consistent with being in trans (on the opposite chromosome) from a pathogenic variant. ClinVar contains an entry for this variant (Variation ID: 534948). Invitae Evidence Modeling of protein sequence and biophysical properties (such as structural, functional, and spatial information, amino acid conservation, physicochemical variation, residue mobility, and thermodynamic stability) indicates that this missense variant is not expected to disrupt SGCB protein function with a negative predictive value of 80%. For these reasons, this variant has been classified as Pathogenic.

Natera, Inc.
Classification: Pathogenic for Limb-girdle muscular dystrophy type 2E. Last evaluated: 2025-03-12. Review status: criteria provided, single submitter. Criteria: Natera Variant Classification Schema (03/2026). Collection method: clinical testing. Allele origin: germline.
Comment: The c.551A>G variant in SGCB is a missense variant predicted to cause substitution of tyrosine to cysteine at amino acid 184. This variant is rare in the general population with a frequency below the threshold expected for the associated phenotype(s). This variant has been observed in one or more individuals affected with the associated recessive disease, as either homozygous or compound heterozygous with a second variant (PMID: 36575883, 10660328, 37317968, 30764848, 38876406). Computational prediction algorithms indicate this variant is likely to affect gene or protein function. Given the available evidence, this variant is classified as Pathogenic.

CeGaT Center for Human Genetics Tuebingen
Classification: Likely pathogenic. Last evaluated: 2021-08-01. Review status: criteria provided, single submitter. Criteria: CeGaT Center For Human Genetics Tuebingen Variant Classification Criteria Version 2. Collection method: clinical testing. Allele origin: germline. Affected: yes. Observed: 1 variant allele.

Counsyl
Classification: Uncertain significance for Autosomal recessive limb-girdle muscular dystrophy type 2E. Last evaluated: 2017-01-26. Review status: no assertion criteria provided. Collection method: clinical testing. Allele origin: unknown. Not counted in ClinVar's aggregate classification.

Literature cited by the submitters: PubMed 10660328 (cited by 3 submitters); PubMed 30764848 (cited by Labcorp Genetics (formerly Invitae), Labcorp and Natera, Inc.); PubMed 36575883 (cited by Natera, Inc.); PubMed 37317968 (cited by Natera, Inc.); PubMed 38876406 (cited by Natera, Inc.).

NM_000232.5(SGCB):c.551A>G (p.Tyr184Cys)

Gene: SGCB (sarcoglycan beta; minus strand). Cytogenetic location: 4q12.
Variant type: single nucleotide variant.
Coding change: c.551A>G on transcript NM_000232.5 (MANE Select); coding-DNA position 551, A replaced by G.
Protein change: p.Tyr184Cys; replaces tyrosine 184 with cysteine.
Molecular consequence: missense variant.
Genome position (GRCh38, 1-based): chr4:52,028,800, T>C on the plus strand (A>G on the coding strand, the complement: SGCB is on the minus strand). VCF-style: chr4-52028800-T-C. GRCh37 (hg19) VCF-style: chr4-52894966-T-C.
Other names: short protein forms Y184C.
Identifiers: ClinVar variation 534948 (VCV000534948.43), dbSNP rs1365923535, ClinGen allele CA356876804.